The following is an entry in ClinVar:

ClinVar aggregate classification (germline): Uncertain significance (1 of 4 stars; one submission).

Allele frequency attached by ClinVar (database versions not stated): ExAC 0.00001; gnomAD exomes 0.00001; TOPMed 0.00001; gnomAD 0.00002; ESP Exome Variant Server 0.00008.
gnomAD v4.1: 6 of 1,609,786 alleles (0.00037%); highest among the groups gnomAD compares: African/African-American, 0.008%; no homozygotes.

Submission:

Labcorp Genetics (formerly Invitae), Labcorp
Classification: Uncertain significance. Last evaluated: 2022-06-13. Review status: criteria provided, single submitter. Criteria: Invitae Variant Classification Sherloc (09022015). Collection method: clinical testing. Allele origin: germline.
Comment: This variant is present in population databases (rs369603000, gnomAD 0.02%). This variant has not been reported in the literature in individuals affected with ARHGEF10-related conditions. Algorithms developed to predict the effect of missense changes on protein structure and function (SIFT, PolyPhen-2, Align-GVGD) all suggest that this variant is likely to be tolerated. In summary, the available evidence is currently insufficient to determine the role of this variant in disease. Therefore, it has been classified as a Variant of Uncertain Significance. This sequence change replaces alanine, which is neutral and non-polar, with valine, which is neutral and non-polar, at codon 192 of the ARHGEF10 protein (p.Ala192Val).

NM_014629.4(ARHGEF10):c.575C>T (p.Ala192Val)

Gene: ARHGEF10 (Rho guanine nucleotide exchange factor 10; plus strand). Cytogenetic location: 8p23.3.
Variant type: single nucleotide variant.
Coding change: c.575C>T on transcript NM_014629.4 (MANE Select); coding-DNA position 575, C replaced by T.
Protein change: p.Ala192Val; replaces alanine 192 with valine.
Molecular consequence: missense variant.
Genome position (GRCh38, 1-based): chr8:1,866,555, C>T. VCF-style: chr8-1866555-C-T. GRCh37 (hg19) VCF-style: chr8-1814721-C-T.
Other names: c.578C>T, p.Ala193Val (NM_001308152.2, NM_001308153.3); short protein forms A193V, A217V, A192V.
Identifiers: ClinVar variation 1947238 (VCV001947238.5), dbSNP rs369603000, ClinGen allele CA4599873.